The following is an entry in ClinVar:

ClinVar aggregate classification (germline): Likely benign. Review status: criteria provided, single submitter (1 of 4 stars). 2 submissions from 2 submitters: Likely benign (1). 1 of the submissions does not count toward it. Last evaluated 2025-10-23.

Conditions:
EGF-related disorder. Also called: EGF-related condition.

Allele frequency attached by ClinVar (database versions not stated): TOPMed 0.00002; ExAC 0.00029; 1000 Genomes Project 30x 0.00047; 1000 Genomes Project 0.00060.
gnomAD v4.1: 170 of 1,614,074 alleles (0.011%); highest among the groups gnomAD compares: South Asian, 0.17%; no homozygotes.

Submissions (2):

Labcorp Genetics (formerly Invitae), Labcorp
Classification: Likely benign. Last evaluated: 2025-10-23. Review status: criteria provided, single submitter. Criteria: Invitae Variant Classification Sherloc (09022015). Collection method: clinical testing. Allele origin: germline.

PreventionGenetics, part of Exact Sciences
Classification: Likely benign for EGF-related condition. Last evaluated: 2023-10-10. Review status: no assertion criteria provided. Collection method: clinical testing. Allele origin: germline. Not counted in ClinVar's aggregate classification.
Comment: This variant is classified as likely benign based on ACMG/AMP sequence variant interpretation guidelines (Richards et al. 2015 PMID: 25741868, with internal and published modifications).

NM_001963.6(EGF):c.3048C>A (p.Asp1016Glu)

Gene: EGF (epidermal growth factor; plus strand). Cytogenetic location: 4q25.
Variant type: single nucleotide variant.
Coding change: c.3048C>A on transcript NM_001963.6 (MANE Select); coding-DNA position 3048, C replaced by A.
Protein change: p.Asp1016Glu; replaces aspartic acid 1016 with glutamic acid.
Molecular consequence: missense variant.
Genome position (GRCh38, 1-based): chr4:109,999,721, C>A. VCF-style: chr4-109999721-C-A. GRCh37 (hg19) VCF-style: chr4-110920877-C-A.
Other names: c.2925C>A, p.Asp975Glu (NM_001178130.3); c.2922C>A, p.Asp974Glu (NM_001178131.3); c.2679C>A, p.Asp893Glu (NM_001357021.2); c.3048C>A (NM_001963.5); short protein forms D893E, D1016E, D974E, D975E.
Identifiers: ClinVar variation 2070268 (VCV002070268.6), dbSNP rs564898318, ClinGen allele CA3044162.
Genomic context (GRCh38, chr4:109,999,721, plus strand): 5'-GTTTGTGTGTTGTCACAGCTGTGTTGTTGGCTACATCGGGGAGCGATGTCAGTACCGAGA[C>A]CTGAAGTGGTGGGAACTGCGCCACGCTGGCCACGGGCAGCAGCAGAAGGTCATCGTGGTG-3'
Protein context (NP_001954.2, residues 1006-1026): GYIGERCQYR[Asp1016Glu]LKWWELRHAG